The following is an entry in ClinVar:

NM_001206927.2(DNAH8):c.1414A>G (p.Met472Val)

Genes: DNAH8 (dynein axonemal heavy chain 8; plus strand), LOC126859668 (P300/CBP strongly-dependent group 1 enhancer GRCh37_chr6:38723390-38724589; plus strand). Cytogenetic location: 6p21.2.
Variant type: single nucleotide variant.
Coding change: c.1414A>G on transcript NM_001206927.2 (MANE Select); coding-DNA position 1414, A replaced by G.
Protein change: p.Met472Val; replaces methionine 472 with valine.
Molecular consequence: missense variant.
Genome position (GRCh38, 1-based): chr6:38,755,978, A>G. VCF-style: chr6-38755978-A-G. GRCh37 (hg19) VCF-style: chr6-38723754-A-G.
Other names: c.763A>G, p.Met255Val (NM_001371.4); short protein forms M472V, M255V.
Identifiers: ClinVar variation 2050625 (VCV002050625.1), dbSNP rs150780644, ClinGen allele CA3788226.

ClinVar aggregate classification (germline): Uncertain significance (1 of 4 stars; one submission).

Conditions:
Primary ciliary dyskinesia. Also called: Ciliary dyskinesia. Identifiers: Orphanet 244, MedGen C0008780, MONDO:0016575, HP:0012265.

Allele frequency attached by ClinVar (database versions not stated): ExAC 0.00003; gnomAD 0.00003; TOPMed 0.00005; ESP Exome Variant Server 0.00008; gnomAD exomes 0.00009.
gnomAD v4.1: 132 of 1,593,868 alleles (0.0083%); highest among the groups gnomAD compares: Non-Finnish European, 0.011%; no homozygotes.

Submission:

Labcorp Genetics (formerly Invitae), Labcorp
Classification: Uncertain significance for Primary ciliary dyskinesia. Last evaluated: 2022-07-06. Review status: criteria provided, single submitter. Criteria: Invitae Variant Classification Sherloc (09022015). Collection method: clinical testing. Allele origin: germline.
Comment: This sequence change replaces methionine, which is neutral and non-polar, with valine, which is neutral and non-polar, at codon 472 of the DNAH8 protein (p.Met472Val). This variant is present in population databases (rs150780644, gnomAD 0.005%). This variant has not been reported in the literature in individuals affected with DNAH8-related conditions. Algorithms developed to predict the effect of missense changes on protein structure and function are either unavailable or do not agree on the potential impact of this missense change (SIFT: "Deleterious"; PolyPhen-2: "Not Available"; Align-GVGD: "Class C0"). In summary, the available evidence is currently insufficient to determine the role of this variant in disease. Therefore, it has been classified as a Variant of Uncertain Significance.